The following is an entry in ClinVar:

NM_001105206.3(LAMA4):c.4343A>G (p.Glu1448Gly)

Gene: LAMA4 (laminin subunit alpha 4; minus strand). Cytogenetic location: 6q21.
Variant type: single nucleotide variant.
Coding change: c.4343A>G on transcript NM_001105206.3 (MANE Select); coding-DNA position 4343, A replaced by G.
Protein change: p.Glu1448Gly; replaces glutamic acid 1448 with glycine.
Molecular consequence: missense variant.
Genome position (GRCh38, 1-based): chr6:112,122,146, T>C on the plus strand (A>G on the coding strand, the complement: LAMA4 is on the minus strand). VCF-style: chr6-112122146-T-C. GRCh37 (hg19) VCF-style: chr6-112443349-T-C.
Other names: c.4322A>G, p.Glu1441Gly (NM_001105207.3, NM_002290.5); short protein forms E1441G, E1448G.
Identifiers: ClinVar variation 5023471 (VCV005023471.1).

ClinVar aggregate classification (germline): Uncertain significance (1 of 4 stars; one submission).

Conditions:
Cardiovascular phenotype. Identifiers: MedGen CN230736.

Submission:

Ambry Genetics
Classification: Uncertain significance for Cardiovascular phenotype. Last evaluated: 2026-08-24. Review status: criteria provided, single submitter. Criteria: Ambry Variant Classification Scheme 2023. Collection method: clinical testing. Allele origin: germline.
Comment: The p.E1441G variant (also known as c.4322A>G), located in coding exon 31 of the LAMA4 gene, results from an A to G substitution at nucleotide position 4322. The glutamic acid at codon 1441 is replaced by glycine, an amino acid with similar properties. This amino acid position is conserved. In addition, this alteration is predicted to be tolerated by in silico analysis. Based on the available evidence, the clinical significance of this variant remains unclear.